The following is an entry in ClinVar:

ClinVar aggregate classification (germline): Likely benign (1 of 4 stars; one submission).

Submission:

CeGaT Center for Human Genetics Tuebingen
Classification: Likely benign. Last evaluated: 2025-10-01. Review status: criteria provided, single submitter. Criteria: CeGaT Center For Human Genetics Tuebingen Variant Classification Criteria Version 2. Collection method: clinical testing. Allele origin: germline. Affected: yes. Observed: 1 variant allele.
Comment: RAD54L: BS1

NM_003579.4(RAD54L):c.1518G>A (p.Ala506=)

Gene: RAD54L (RAD54 like; plus strand). Cytogenetic location: 1p34.1.
Variant type: single nucleotide variant.
Coding change: c.1518G>A on transcript NM_003579.4 (MANE Select); coding-DNA position 1518, G replaced by A.
Protein change: p.Ala506=; no amino-acid change (alanine 506 retained).
Molecular consequence: synonymous variant.
Genome position (GRCh38, 1-based): chr1:46,273,655, G>A. VCF-style: chr1-46273655-G-A. GRCh37 (hg19) VCF-style: chr1-46739327-G-A.
Other names: c.1518G>A, p.Ala506= (NM_001142548.2); c.978G>A, p.Ala326= (NM_001370766.1).
Identifiers: ClinVar variation 4533845 (VCV004533845.6).